The following is an entry in ClinVar:

NM_175737.4(KLB):c.35A>G (p.Asn12Ser)

Gene: KLB (klotho beta; plus strand). Cytogenetic location: 4p14.
Variant type: single nucleotide variant.
Coding change: c.35A>G on transcript NM_175737.4 (MANE Select); coding-DNA position 35, A replaced by G.
Protein change: p.Asn12Ser; replaces asparagine 12 with serine.
Molecular consequence: missense variant.
Genome position (GRCh38, 1-based): chr4:39,406,984, A>G. VCF-style: chr4-39406984-A-G. GRCh37 (hg19) VCF-style: chr4-39408604-A-G.
Other names: short protein forms N12S.
Identifiers: ClinVar variation 4771506 (VCV004771506.1).

ClinVar aggregate classification (germline): Uncertain significance (1 of 4 stars; one submission).

Submission:

Labcorp Genetics (formerly Invitae), Labcorp
Classification: Uncertain significance. Last evaluated: 2025-05-22. Review status: criteria provided, single submitter. Criteria: Invitae Variant Classification Sherloc (09022015). Collection method: clinical testing. Allele origin: germline.
Comment: This sequence change replaces asparagine, which is neutral and polar, with serine, which is neutral and polar, at codon 12 of the KLB protein (p.Asn12Ser). This variant is not present in population databases (gnomAD no frequency). This variant has not been reported in the literature in individuals affected with KLB-related conditions. An algorithm developed to predict the effect of missense changes on protein structure and function (PolyPhen-2) suggests that this variant is likely to be tolerated. In summary, the available evidence is currently insufficient to determine the role of this variant in disease. Therefore, it has been classified as a Variant of Uncertain Significance.